The following is an entry in ClinVar:

ClinVar aggregate classification (germline): Uncertain significance (1 of 4 stars; one submission).

Conditions:
Spastic paraplegia. Identifiers: MedGen C0037772, HP:0001258.

Allele frequency attached by ClinVar (database versions not stated): gnomAD exomes below 0.00001.

Submission:

Labcorp Genetics (formerly Invitae), Labcorp
Classification: Uncertain significance for Spastic paraplegia. Last evaluated: 2021-07-07. Review status: criteria provided, single submitter. Criteria: Invitae Variant Classification Sherloc (09022015). Collection method: clinical testing. Allele origin: germline.
Comment: This variant has not been reported in the literature in individuals affected with ERLIN2-related conditions. Algorithms developed to predict the effect of missense changes on protein structure and function are either unavailable or do not agree on the potential impact of this missense change (SIFT: "Tolerated"; PolyPhen-2: "Possibly Damaging"; Align-GVGD: "Class C0"). In summary, the available evidence is currently insufficient to determine the role of this variant in disease. Therefore, it has been classified as a Variant of Uncertain Significance. This sequence change replaces asparagine with aspartic acid at codon 174 of the ERLIN2 protein (p.Asn174Asp). The asparagine residue is highly conserved and there is a small physicochemical difference between asparagine and aspartic acid. This variant is not present in population databases (ExAC no frequency).

NM_007175.8(ERLIN2):c.520A>G (p.Asn174Asp)

Gene: ERLIN2 (ER lipid raft associated 2; plus strand). Cytogenetic location: 8p11.23.
Variant type: single nucleotide variant.
Coding change: c.520A>G on transcript NM_007175.8 (MANE Select); coding-DNA position 520, A replaced by G.
Protein change: p.Asn174Asp; replaces asparagine 174 with aspartic acid.
Molecular consequence: missense variant.
Genome position (GRCh38, 1-based): chr8:37,749,815, A>G. VCF-style: chr8-37749815-A-G. GRCh37 (hg19) VCF-style: chr8-37607333-A-G.
Other names: c.520A>G, p.Asn174Asp (NM_001362878.2); short protein forms N174D.
Identifiers: ClinVar variation 1360105 (VCV001360105.8), dbSNP rs1258969957, ClinGen allele CA370659044.